The following is an entry in ClinVar:

ClinVar aggregate classification (germline): Uncertain significance. Review status: criteria provided, multiple submitters, no conflicts (2 of 4 stars). 3 submissions from 3 submitters: Uncertain significance (3). Last evaluated 2024-12-08.

Conditions:
Hereditary cancer-predisposing syndrome. Also called: Neoplastic Syndromes, Hereditary; Tumor predisposition; Hereditary Cancer Syndrome; Hereditary neoplastic syndrome. Identifiers: Orphanet 140162, MedGen C0027672, MeSH D009386, MONDO:0015356.
Retinoblastoma (RB1). Also called: RETINOBLASTOMA, SOMATIC. Identifiers: Orphanet 790, MedGen C0035335, MeSH D012175, MONDO:0008380, OMIM 180200, HP:0009919. Disease mechanism: loss of function. Inheritance: Both sporadic and heritable forms are tested..

Allele frequency attached by ClinVar (database versions not stated): gnomAD exomes 0.00001; 1000 Genomes Project 30x 0.00031.
gnomAD v4.1: 5 of 1,511,882 alleles (0.00033%); highest among the groups gnomAD compares: East Asian, 0.0026%; no homozygotes.

Submissions (3):

Ambry Genetics
Classification: Uncertain significance for Hereditary cancer-predisposing syndrome. Last evaluated: 2024-12-08. Review status: criteria provided, single submitter. Criteria: Ambry Variant Classification Scheme 2023. Collection method: clinical testing. Allele origin: germline.
Comment: The p.T5I variant (also known as c.14C>T), located in coding exon 1 of the RB1 gene, results from a C to T substitution at nucleotide position 14. The threonine at codon 5 is replaced by isoleucine, an amino acid with similar properties. This amino acid position is not well conserved in available vertebrate species. In addition, this alteration is predicted to be tolerated by in silico analysis. Since supporting evidence is limited at this time, the clinical significance of this alteration remains unclear.

Labcorp Genetics (formerly Invitae), Labcorp
Classification: Uncertain significance for Retinoblastoma. Last evaluated: 2024-07-06. Review status: criteria provided, single submitter. Criteria: Invitae Variant Classification Sherloc (09022015). Collection method: clinical testing. Allele origin: germline.
Comment: This sequence change replaces threonine, which is neutral and polar, with isoleucine, which is neutral and non-polar, at codon 5 of the RB1 protein (p.Thr5Ile). This variant is present in population databases (no rsID available, gnomAD 0.003%). This variant has not been reported in the literature in individuals affected with RB1-related conditions. ClinVar contains an entry for this variant (Variation ID: 653621). Advanced modeling of protein sequence and biophysical properties (such as structural, functional, and spatial information, amino acid conservation, physicochemical variation, residue mobility, and thermodynamic stability) has been performed at Invitae for this missense variant, however the output from this modeling did not meet the statistical confidence thresholds required to predict the impact of this variant on RB1 protein function. In summary, the available evidence is currently insufficient to determine the role of this variant in disease. Therefore, it has been classified as a Variant of Uncertain Significance.

All of Us Research Program, National Institutes of Health
Classification: Uncertain significance for Retinoblastoma. Last evaluated: 2024-03-05. Review status: criteria provided, single submitter. Criteria: ACMG Guidelines, 2015. Collection method: clinical testing. Allele origin: germline. Inheritance: Autosomal dominant inheritance. Observed: 1 variant allele, 1 heterozygote.
Comment: This study involves interpretation of variants in research participants for the purpose of population health screening. Participant phenotype was not available at the time of variant classification. Additional details can be found in publication PMID: 35346344, PMCID: PMC8962531

NM_000321.3(RB1):c.14C>T (p.Thr5Ile)

Gene: RB1 (RB transcriptional corepressor 1; plus strand). Cytogenetic location: 13q14.2.
Variant type: single nucleotide variant.
Coding change: c.14C>T on transcript NM_000321.3 (MANE Select); coding-DNA position 14, C replaced by T.
Protein change: p.Thr5Ile; replaces threonine 5 with isoleucine.
Molecular consequence: missense variant.
Genome position (GRCh38, 1-based): chr13:48,303,926, C>T. VCF-style: chr13-48303926-C-T. GRCh37 (hg19) VCF-style: chr13-48878062-C-T.
Other names: short protein forms T5I.
Identifiers: ClinVar variation 653621 (VCV000653621.15), dbSNP rs1265159988, ClinGen allele CA388250161.